The following is an entry in ClinVar:

NC_000003.11:g.(?_164737370)_(164737578_?)del

Gene: SI (sucrase-isomaltase; minus strand). Cytogenetic location: 3q26.1.
Variant type: Deletion.
Identifiers: ClinVar variation 1452711 (VCV001452711.5).

ClinVar aggregate classification (germline): Pathogenic (1 of 4 stars; one submission).

Submission:

Labcorp Genetics (formerly Invitae), Labcorp
Classification: Pathogenic. Last evaluated: 2022-06-27. Review status: criteria provided, single submitter. Criteria: Invitae Variant Classification Sherloc (09022015). Collection method: clinical testing. Allele origin: germline.
Comment: For these reasons, this variant has been classified as Pathogenic. This variant has not been reported in the literature in individuals affected with SI-related conditions. This variant is a gross deletion of the genomic region encompassing exon(s) 28 of the SI gene. This deletion is out-of-frame, and is expected to create a premature termination codon and result in an absent or disrupted protein product. Loss-of-function variants in SI are known to be pathogenic (PMID: 16329100, 23103650, 25452324).

Literature cited by the submitters: PubMed 16329100; PubMed 23103650; PubMed 25452324.